The following is an entry in ClinVar:

ClinVar aggregate classification (germline): Uncertain significance. Review status: criteria provided, multiple submitters, no conflicts (2 of 4 stars). 4 submissions from 4 submitters: Uncertain significance (4). Last evaluated 2025-09-28.

Conditions:
CACNA1H-related disorder.
Idiopathic generalized epilepsy. Also called: EIG; Generalised epilepsy. Identifiers: MedGen C0270850, MONDO:0005579, OMIM 600669.
Hyperaldosteronism, familial, type IV (HALD4). Also called: FH IV; ALDOSTERONISM, PRIMARY, AND HYPERTENSION. Identifiers: Orphanet 642671, MedGen C4310756, MONDO:0014875, OMIM 617027.
Inborn genetic diseases. Identifiers: MedGen C0950123, MeSH D030342.
Epilepsy, childhood absence, susceptibility to, 6. Identifiers: Orphanet 64280, MedGen C2749872, MONDO:0012763, OMIM 611942.

Allele frequency attached by ClinVar (database versions not stated): ExAC 0.00005; ESP Exome Variant Server 0.00008; gnomAD 0.00008 and 0.00009; TOPMed 0.00011; 1000 Genomes Project 0.00040; 1000 Genomes Project 30x 0.00047; gnomAD exomes 0.00002 and 0.00003.
gnomAD v4.1: 37 of 1,556,866 alleles (0.0024%); highest among the groups gnomAD compares: African/African-American, 0.028%; no homozygotes.

Submissions (4):

PreventionGenetics, part of Exact Sciences
Classification: Uncertain significance for CACNA1H-related condition. Last evaluated: 2025-09-28. Review status: criteria provided, single submitter. Criteria: ACMG Guidelines, 2015. Collection method: clinical testing. Allele origin: germline.
Comment: The CACNA1H c.2390G>A variant is predicted to result in the amino acid substitution p.Arg797His. To our knowledge, this variant has not been reported in the literature. This variant is reported in 0.030% of alleles in individuals of African descent in gnomAD. Although we suspect that this variant may be benign, at this time, the clinical significance of this variant is uncertain due to the absence of conclusive functional and genetic evidence.

Labcorp Genetics (formerly Invitae), Labcorp
Classification: Uncertain significance for Idiopathic generalized epilepsy; Hyperaldosteronism, familial, type IV. Last evaluated: 2025-03-06. Review status: criteria provided, single submitter. Criteria: Invitae Variant Classification Sherloc (09022015). Collection method: clinical testing. Allele origin: germline.
Comment: This sequence change replaces arginine, which is basic and polar, with histidine, which is basic and polar, at codon 797 of the CACNA1H protein (p.Arg797His). This variant is present in population databases (rs200791167, gnomAD 0.03%). This variant has not been reported in the literature in individuals affected with CACNA1H-related conditions. ClinVar contains an entry for this variant (Variation ID: 968686). Invitae Evidence Modeling of protein sequence and biophysical properties (such as structural, functional, and spatial information, amino acid conservation, physicochemical variation, residue mobility, and thermodynamic stability) has been performed for this missense variant. However, the output from this modeling did not meet the statistical confidence thresholds required to predict the impact of this variant on CACNA1H protein function. In summary, the available evidence is currently insufficient to determine the role of this variant in disease. Therefore, it has been classified as a Variant of Uncertain Significance.

Fulgent Genetics
Classification: Uncertain significance for Epilepsy, childhood absence, susceptibility to, 6; Hyperaldosteronism, familial, type IV. Last evaluated: 2024-03-08. Review status: criteria provided, single submitter. Criteria: ACMG Guidelines, 2015. Collection method: clinical testing. Allele origin: germline.

Ambry Genetics
Classification: Uncertain significance for Inborn genetic diseases. Last evaluated: 2023-10-05. Review status: criteria provided, single submitter. Criteria: Ambry Variant Classification Scheme 2023. Collection method: clinical testing. Allele origin: germline.

NM_021098.3(CACNA1H):c.2390G>A (p.Arg797His)

Gene: CACNA1H (calcium voltage-gated channel subunit alpha1 H; plus strand). Cytogenetic location: 16p13.3.
Variant type: single nucleotide variant.
Coding change: c.2390G>A on transcript NM_021098.3 (MANE Select); coding-DNA position 2390, G replaced by A.
Protein change: p.Arg797His; replaces arginine 797 with histidine.
Molecular consequence: missense variant.
Genome position (GRCh38, 1-based): chr16:1,204,397, G>A. VCF-style: chr16-1204397-G-A. GRCh37 (hg19) VCF-style: chr16-1254397-G-A.
Other names: c.2390G>A, p.Arg797His (NM_001005407.2); short protein forms R797H.
Identifiers: ClinVar variation 968686 (VCV000968686.14), dbSNP rs200791167, ClinGen allele CA7800229.